The following is an entry in ClinVar:

ClinVar aggregate classification (germline): Pathogenic/Likely pathogenic. Review status: criteria provided, multiple submitters, no conflicts (2 of 4 stars). 4 submissions from 4 submitters: Pathogenic (2); Likely pathogenic (2). Last evaluated 2025-06-23.

Conditions:
Epidermolysis bullosa dystrophica. Also called: Dystrophic epidermolysis bullosa, Hallopeau-Siemens type (formerly); Dystrophic epidermolysis bullosa. Identifiers: Orphanet 303, MedGen C0079294, MONDO:0006543.
Recessive dystrophic epidermolysis bullosa (RDEB). Also called: severe generalized recessive dystrophic epidermolysis bullosa; EPIDERMOLYSIS BULLOSA DYSTROPHICA, GENERALIZED SEVERE, AUTOSOMAL RECESSIVE; DYSTROPHIC EPIDERMOLYSIS BULLOSA, AUTOSOMAL RECESSIVE; EPIDERMOLYSIS BULLOSA DYSTROPHICA, HALLOPEAU-SIEMENS TYPE; Epidermolysis Bullosa Distrophica Autosomal Recessive (RDEB); epidermolysis bullosa dystrophica, autosomal recessive. Identifiers: Orphanet 79408, Orphanet 79409, MedGen C0079474, MONDO:0009179, OMIM 226600.

Allele frequency attached by ClinVar (database versions not stated): gnomAD 0.00001.
gnomAD v4.1: 3 of 1,613,996 alleles (0.00019%); highest among the groups gnomAD compares: South Asian, 0.0011%; no homozygotes.

Submissions (4):

Labcorp Genetics (formerly Invitae), Labcorp
Classification: Pathogenic. Last evaluated: 2025-06-23. Review status: criteria provided, single submitter. Criteria: Invitae Variant Classification Sherloc (09022015). Collection method: clinical testing. Allele origin: germline.
Comment: This sequence change replaces glycine, which is neutral and non-polar, with arginine, which is basic and polar, at codon 174 of the COL7A1 protein (p.Gly174Arg). This variant also falls at the last nucleotide of exon 4, which is part of the consensus splice site for this exon. This variant is not present in population databases (gnomAD no frequency). This missense change has been observed in individuals with autosomal recessive dystrophic epidermolysis bullosa (PMID: 1050445, 21448560, 24947307; internal data). ClinVar contains an entry for this variant (Variation ID: 1064713). Experimental studies and prediction algorithms are not available or were not evaluated, and the functional significance of this variant is currently unknown. Variants that disrupt the consensus splice site are a relatively common cause of aberrant splicing (PMID: 17576681, 9536098). Algorithms developed to predict the effect of sequence changes on RNA splicing suggest that this variant may disrupt the consensus splice site. For these reasons, this variant has been classified as Pathogenic.

Natera, Inc.
Classification: Pathogenic for Dystrophic epidermolysis bullosa. Last evaluated: 2025-06-12. Review status: criteria provided, single submitter. Criteria: Natera Variant Classification Schema (03/2026). Collection method: clinical testing. Allele origin: germline.
Comment: The c.520G>A variant in COL7A1 is a missense variant predicted to cause substitution of glycine to arginine at amino acid 174. This variant is rare in the general population with a frequency below the threshold expected for the associated phenotype(s). This variant has been observed in one or more individuals affected with the associated recessive disease, as either homozygous or compound heterozygous with a second variant (PMID: 19681861, 27899325, 29963685, 34458008, 34230977). Computational prediction algorithms indicate this variant is likely to affect gene or protein function. Given the available evidence, this variant is classified as Pathogenic.

3billion
Classification: Likely pathogenic for Recessive dystrophic epidermolysis bullosa. Last evaluated: 2024-04-03. Review status: criteria provided, single submitter. Criteria: ACMG Guidelines, 2015. Collection method: clinical testing. Allele origin: germline. Affected: yes.
Comment: The variant is observed at an extremely low frequency in the gnomAD v4.0.0 dataset (total allele frequency: <0.001%). Predicted Consequence/Location: Missense variant In silico tool predictions suggest damaging effect of the variant on gene or gene product [REVEL: 0.87 (>=0.6, sensitivity 0.68 and specificity 0.92)]. Same nucleotide change resulting in same amino acid change has been previously reported as pathogenic/likely pathogenic with strong evidence (ClinVar ID: VCV001064713 /PMID: 21448560 /3billion dataset). Therefore, this variant is classified as Likely pathogenic according to the recommendation of ACMG/AMP guideline.

Neuberg Centre For Genomic Medicine, NCGM
Classification: Likely pathogenic for Recessive dystrophic epidermolysis bullosa. Review status: criteria provided, single submitter. Criteria: ACMG Guidelines, 2015. Collection method: clinical testing. Allele origin: germline. Affected: yes.
Comment: The missense variant p.G174R in COL7A1 (NM_000094.3) has been observed in homozygous as well as compound heterozygous state in our internal database in affected patients with epidermolysis bullosa. The variant has not been reported in literature previously. The COL7A1 mutation database contains an entry for this variant as a disease causing one but indepnedent assesment of the same is not possible. The p.G174R variant is novel (not in any individuals) in gnomAD Exomes and is novel (not in any individuals) in 1000 Genomes. The p.G174R missense variant is predicted to be damaging by both SIFT and PolyPhen2. The nucleotide c.520 in COL7A1 is predicted conserved by GERP++ and PhyloP across 100 vertebrates. For these reasons, this variant has been classified as Likely Pathogenic.

Literature cited by the submitters: PubMed 1050445 (cited by Labcorp Genetics (formerly Invitae), Labcorp); PubMed 21448560 (cited by Labcorp Genetics (formerly Invitae), Labcorp and 3billion); PubMed 24947307 (cited by Labcorp Genetics (formerly Invitae), Labcorp); PubMed 17576681 (cited by Labcorp Genetics (formerly Invitae), Labcorp); PubMed 9536098 (cited by Labcorp Genetics (formerly Invitae), Labcorp); PubMed 19681861 (cited by Natera, Inc.); PubMed 27899325 (cited by Natera, Inc.); PubMed 29963685 (cited by Natera, Inc.); PubMed 34458008 (cited by Natera, Inc.); PubMed 34230977 (cited by Natera, Inc.).

NM_000094.4(COL7A1):c.520G>A (p.Gly174Arg)

Gene: COL7A1 (collagen type VII alpha 1 chain; minus strand). Cytogenetic location: 3p21.31.
Variant type: single nucleotide variant.
Coding change: c.520G>A on transcript NM_000094.4 (MANE Select); coding-DNA position 520, G replaced by A.
Protein change: p.Gly174Arg; replaces glycine 174 with arginine.
Molecular consequence: missense variant.
Genome position (GRCh38, 1-based): chr3:48,593,356, C>T on the plus strand (G>A on the coding strand, the complement: COL7A1 is on the minus strand). VCF-style: chr3-48593356-C-T. GRCh37 (hg19) VCF-style: chr3-48630789-C-T.
Other names: c.520G>A (LRG_286t1, LRG_286t1, NM_000094.3); short protein forms G174R.
Identifiers: ClinVar variation 1064713 (VCV001064713.14), dbSNP rs1245411910, ClinGen allele CA352746226.